The following is an entry in ClinVar:

ClinVar aggregate classification (germline): Pathogenic (1 of 4 stars; one submission).

Conditions:
Hereditary breast ovarian cancer syndrome. Also called: Hereditary breast and ovarian cancer syndrome; Hereditary breast and ovarian cancer syndrome (HBOC); Hereditary breast and/or ovarian cancer syndrome; Hereditary breast and ovarian cancer; Breast and ovarian cancer; BRCA1- and BRCA2-Associated Hereditary Breast and Ovarian Cancer. Identifiers: Orphanet 145, MedGen C0677776, MeSH D061325, MONDO:0003582. Disease mechanism: loss of function.

Submission:

Labcorp Genetics (formerly Invitae), Labcorp
Classification: Pathogenic for Hereditary breast ovarian cancer syndrome. Last evaluated: 2024-01-13. Review status: criteria provided, single submitter. Criteria: Invitae Variant Classification Sherloc (09022015). Collection method: clinical testing. Allele origin: germline.
Comment: This sequence change creates a premature translational stop signal (p.Asp1737Ilefs*4) in the BRCA2 gene. It is expected to result in an absent or disrupted protein product. Loss-of-function variants in BRCA2 are known to be pathogenic (PMID: 20104584). This variant is not present in population databases (gnomAD no frequency). This premature translational stop signal has been observed in individual(s) with ovarian cancer (PMID: 29084914). For these reasons, this variant has been classified as Pathogenic.

Literature cited by the submitters: PubMed 20104584; PubMed 29084914.

NM_000059.4(BRCA2):c.5209del (p.Asp1737fs)

Gene: BRCA2 (BRCA2 DNA repair associated; plus strand). Cytogenetic location: 13q13.1.
Variant type: Deletion.
Coding change: c.5209del on transcript NM_000059.4 (MANE Select); coding-DNA position 5209, one base deleted (G; older notation c.5209delG).
Protein change: p.Asp1737fs; shifts the reading frame from aspartic acid 1737.
Molecular consequence: frameshift variant. On other transcripts: non-coding transcript variant (1), intron variant (2).
Genome position (GRCh38, 1-based): chr13:32,339,564, G deleted. VCF-style (leftmost placement, unchanged base first): chr13-32339563-AG-A. GRCh37 (hg19) VCF-style: chr13-32913700-AG-A.
Other names: c.5209del, p.Asp1737fs (NM_001406719.1, NM_001406720.1); c.1910-4994del (NM_001406721.1); c.425-4994del (NM_001406722.1); short protein forms D1737fs.
Identifiers: ClinVar variation 2709215 (VCV002709215.3), dbSNP rs2548530227, ClinGen allele CA2697551796.